The following is an entry in ClinVar:

NM_002880.4(RAF1):c.60C>T (p.Ala20=)

Gene: RAF1 (Raf-1 proto-oncogene, serine/threonine kinase; minus strand). Cytogenetic location: 3p25.2.
Variant type: single nucleotide variant.
Coding change: c.60C>T on transcript NM_002880.4 (MANE Select); coding-DNA position 60, C replaced by T.
Protein change: p.Ala20=; no amino-acid change (alanine 20 retained).
Molecular consequence: synonymous variant. On other transcripts: 5 prime UTR variant (4), non-coding transcript variant (3).
Genome position (GRCh38, 1-based): chr3:12,618,662, G>A on the plus strand (C>T on the coding strand, the complement: RAF1 is on the minus strand). VCF-style: chr3-12618662-G-A. GRCh37 (hg19) VCF-style: chr3-12660161-G-A.
Other names: p.A20A; c.60C>T, p.Ala20= (NM_001354689.3, NM_001354690.3, NM_001354693.3); c.-71C>T (NM_001354691.3, NM_001354692.3, NM_001354694.3 and 1 more transcripts).
Identifiers: ClinVar variation 40582 (VCV000040582.42), dbSNP rs755869970, ClinGen allele CA2259845.

ClinVar aggregate classification (germline): Benign/Likely benign. Review status: criteria provided, multiple submitters, no conflicts (2 of 4 stars). 7 submissions from 7 submitters: Benign (1); Likely benign (6). Last evaluated 2026-05-26.

Conditions:
RAF1-related disorder. Also called: RAF1-related disorders; RAF1-related condition.
Cardiovascular phenotype. Identifiers: MedGen CN230736.
RASopathy. Also called: rasopathies; Noonan spectrum disorder. Identifiers: Orphanet 536391, MedGen C5555857, MONDO:0021060.

Allele frequency attached by ClinVar (database versions not stated): TOPMed 0.00002.

Submissions (7):

Ambry Genetics
Classification: Likely benign for Cardiovascular phenotype. Last evaluated: 2026-05-26. Review status: criteria provided, single submitter. Criteria: Ambry Variant Classification Scheme 2023. Collection method: clinical testing. Allele origin: germline.

PreventionGenetics, part of Exact Sciences
Classification: Likely benign for RAF1-related condition. Last evaluated: 2026-04-21. Review status: criteria provided, single submitter. Criteria: ACMG Guidelines, 2015. Collection method: clinical testing. Allele origin: germline.
Comment: This variant is classified as likely benign based on ACMG/AMP sequence variant interpretation guidelines (Richards et al. 2015 PMID: 25741868, with internal and published modifications).

Labcorp Genetics (formerly Invitae), Labcorp
Classification: Likely benign for RASopathy. Last evaluated: 2026-01-05. Review status: criteria provided, single submitter. Criteria: Invitae Variant Classification Sherloc (09022015). Collection method: clinical testing. Allele origin: germline.

Molecular Diagnostic Laboratory for Inherited Cardiovascular Disease, Montreal Heart Institute
Classification: Likely benign. Last evaluated: 2025-04-09. Review status: criteria provided, single submitter. Criteria: ACMG Guidelines, 2015. Collection method: clinical testing. Allele origin: germline. Affected: no.

Blueprint Genetics
Classification: Likely benign. Last evaluated: 2024-09-10. Review status: criteria provided, single submitter. Criteria: ACMG Guidelines, 2015. Collection method: clinical testing. Allele origin: germline.

CeGaT Center for Human Genetics Tuebingen
Classification: Likely benign. Last evaluated: 2023-02-01. Review status: criteria provided, single submitter. Criteria: CeGaT Center For Human Genetics Tuebingen Variant Classification Criteria Version 2. Collection method: clinical testing. Allele origin: germline. Affected: yes. Observed: 1 variant allele.
Comment: RAF1: BP4, BP7

GeneDx
Classification: Benign. Last evaluated: 2015-03-03. Review status: criteria provided, single submitter. Criteria: GeneDx Variant Classification Process June 2021. Collection method: clinical testing. Allele origin: germline. Affected: yes.